The following is an entry in ClinVar:

NM_001080467.3(MYO5B):c.675G>C (p.Gln225His)

Gene: MYO5B (myosin VB; minus strand). Cytogenetic location: 18q21.1.
Variant type: single nucleotide variant.
Coding change: c.675G>C on transcript NM_001080467.3 (MANE Select); coding-DNA position 675, G replaced by C.
Protein change: p.Gln225His; replaces glutamine 225 with histidine.
Molecular consequence: missense variant.
Genome position (GRCh38, 1-based): chr18:49,992,369, C>G on the plus strand (G>C on the coding strand, the complement: MYO5B is on the minus strand). VCF-style: chr18-49992369-C-G. GRCh37 (hg19) VCF-style: chr18-47518739-C-G.
Other names: short protein forms Q225H.
Identifiers: ClinVar variation 5001216 (VCV005001216.1).
Genomic context (GRCh38, chr18:49,992,369, plus strand): 5'-CTCCAAGAGGTAAGTCCTCATGTTGGCCCCGATGATGTGGTACCTTTTGTCAAAGCCAAT[C>G]TGGATGTACTTGCCAAAACGGCTGCTGTTGTCATTGCGGGTGGTCTTGGCATTTCCAATG-3'
Protein context (NP_001073936.1, residues 215-235): DNSSRFGKYI[Gln225His]IGFDKRYHII

ClinVar aggregate classification (germline): Uncertain significance (1 of 4 stars; one submission).

Conditions:
MYO5B-related disorder. Also called: MYO5B-related condition.

Submission:

PreventionGenetics, part of Exact Sciences
Classification: Uncertain significance for MYO5B-related condition. Last evaluated: 2025-03-31. Review status: criteria provided, single submitter. Criteria: ACMG Guidelines, 2015. Collection method: clinical testing. Allele origin: germline.
Comment: The MYO5B c.675G>C variant is predicted to result in the amino acid substitution p.Gln225His. To our knowledge, this variant has not been reported in the literature or in a large population database (gnomAD), indicating this variant is rare. At this time, the clinical significance of this variant is uncertain due to the absence of conclusive functional and genetic evidence.